The following is an entry in ClinVar:

ClinVar aggregate classification (germline): Likely benign. Review status: criteria provided, multiple submitters, no conflicts (2 of 4 stars). 6 submissions from 6 submitters: Likely benign (5). 1 of the submissions does not count toward it. Last evaluated 2026-01-16.

Conditions:
ZNF469-related disorder. Also called: ZNF469-related condition.
Cardiovascular phenotype. Identifiers: MedGen CN230736.

Allele frequency attached by ClinVar (database versions not stated): gnomAD 0.00017; gnomAD exomes 0.00004 and 0.00007; TOPMed 0.00014.
gnomAD v4.1: 102 of 1,550,366 alleles (0.0066%); highest among the groups gnomAD compares: African/African-American, 0.041%; 1 homozygote.

Submissions (6):

Women's Health and Genetics/Laboratory Corporation of America, LabCorp
Classification: Likely benign. Last evaluated: 2026-01-16. Review status: criteria provided, single submitter. Criteria: LabCorp Variant Classification Summary - May 2015. Collection method: clinical testing. Allele origin: germline.

Labcorp Genetics (formerly Invitae), Labcorp
Classification: Likely benign. Last evaluated: 2026-01-11. Review status: criteria provided, single submitter. Criteria: Invitae Variant Classification Sherloc (09022015). Collection method: clinical testing. Allele origin: germline.

Mayo Clinic Laboratories, Mayo Clinic
Classification: Likely benign. Last evaluated: 2025-02-28. Review status: criteria provided, single submitter. Criteria: ACMG Guidelines, 2015. Collection method: clinical testing. Allele origin: germline. Observed: 1 variant allele.
Comment: BP4, BP7

GeneDx
Classification: Likely benign. Last evaluated: 2021-04-01. Review status: criteria provided, single submitter. Criteria: GeneDx Variant Classification Process June 2021. Collection method: clinical testing. Allele origin: germline. Affected: yes.

Ambry Genetics
Classification: Likely benign for Cardiovascular phenotype. Last evaluated: 2019-06-01. Review status: criteria provided, single submitter. Criteria: Ambry Variant Classification Scheme 2023. Collection method: clinical testing. Allele origin: germline.

PreventionGenetics, part of Exact Sciences
Classification: Likely benign for ZNF469-related condition. Last evaluated: 2024-08-23. Review status: no assertion criteria provided. Collection method: clinical testing. Allele origin: germline. Not counted in ClinVar's aggregate classification.
Comment: This variant is classified as likely benign based on ACMG/AMP sequence variant interpretation guidelines (Richards et al. 2015 PMID: 25741868, with internal and published modifications).

NM_001367624.2(ZNF469):c.5538G>A (p.Thr1846=)

Gene: ZNF469 (zinc finger protein 469; plus strand). Cytogenetic location: 16q24.2.
Variant type: single nucleotide variant.
Coding change: c.5538G>A on transcript NM_001367624.2 (MANE Select); coding-DNA position 5538, G replaced by A.
Protein change: p.Thr1846=; no amino-acid change (threonine 1846 retained).
Molecular consequence: synonymous variant.
Genome position (GRCh38, 1-based): chr16:88,433,008, G>A. VCF-style: chr16-88433008-G-A. GRCh37 (hg19) VCF-style: chr16-88499416-G-A.
Other names: NM_001127464.1:c.5454G>A; NM_001127464.2:c.5454G>A; p.Thr1846=.
Identifiers: ClinVar variation 515688 (VCV000515688.16), dbSNP rs943125670, ClinGen allele CA286380662.